The following is an entry in ClinVar:

NM_001845.6(COL4A1):c.2641A>G (p.Met881Val)

Gene: COL4A1 (collagen type IV alpha 1 chain; minus strand). Cytogenetic location: 13q34.
Variant type: single nucleotide variant.
Coding change: c.2641A>G on transcript NM_001845.6 (MANE Select); coding-DNA position 2641, A replaced by G.
Protein change: p.Met881Val; replaces methionine 881 with valine.
Molecular consequence: missense variant.
Genome position (GRCh38, 1-based): chr13:110,177,917, T>C on the plus strand (A>G on the coding strand, the complement: COL4A1 is on the minus strand). VCF-style: chr13-110177917-T-C. GRCh37 (hg19) VCF-style: chr13-110830264-T-C.
Other names: short protein forms M881V.
Identifiers: ClinVar variation 884075 (VCV000884075.13), dbSNP rs775563545, ClinGen allele CA7047525.

ClinVar aggregate classification (germline): Conflicting classifications of pathogenicity. Review status: criteria provided, conflicting classifications (1 of 4 stars). 6 submissions from 5 submitters: Uncertain significance (2); Benign (3). 1 of the submissions does not count toward it. Last evaluated 2025-12-07.

Conditions:
Brain small vessel disease 1 with or without ocular anomalies (BSVD1). Also called: Brain small vessel disease with or without ocular anomalies; PORENCEPHALY, TYPE 1, AUTOSOMAL DOMINANT; GOULD SYNDROME 1; BRAIN SMALL VESSEL DISEASE WITH HEMORRHAGE. Identifiers: Orphanet 2940, Orphanet 36383, Orphanet 99810, MedGen C4755307, MONDO:0008289, OMIM 175780.
Congenital anomaly of kidney and urinary tract. Also called: Congenital anomalies of kidney and urinary tract; Congenital anomalies of the kidney and urinary tract. Identifiers: Orphanet 93545, MedGen C1968949, MeSH C566906, MONDO:0019719.
Autosomal dominant familial hematuria-retinal arteriolar tortuosity-contractures syndrome. Also called: Angiopathy, hereditary, with nephropathy, aneurysms, and muscle cramps; Hereditary Angiopathy with Nephropathy, Aneurysms, and Muscle Cramps (HANAC) Syndrome. Identifiers: Orphanet 73229, MedGen C2673195, MONDO:0012726, OMIM 611773.
Microangiopathy and leukoencephalopathy, pontine, autosomal dominant. Also called: DEMENTIA, HEREDITARY MULTI-INFARCT, SWEDISH TYPE; Pontine autosomal dominant microangiopathy with leukoencephalopathy. Identifiers: Orphanet 477749, MedGen C5231411, MONDO:0032814, OMIM 618564.
Hemorrhage, intracerebral, susceptibility to (ICH). Also called: Stroke, hemorrhagic, susceptibility to. Identifiers: MedGen C3281105, MONDO:0100533, OMIM 614519.
Retinal arterial tortuosity. Also called: Retinal arteries, tortuosity of; RETINAL HEMORRHAGE WITH VASCULAR TORTUOSITY. Identifiers: Orphanet 75326, MedGen C0423401, MONDO:0008373, OMIM 180000, HP:0000631.

Allele frequency attached by ClinVar (database versions not stated): TOPMed 0.00002; gnomAD exomes 0.00007; ExAC 0.00010.
gnomAD v4.1: 59 of 1,614,110 alleles (0.0037%); highest among the groups gnomAD compares: South Asian, 0.0011%; no homozygotes.

Submissions (6):

Labcorp Genetics (formerly Invitae), Labcorp
Classification: Benign. Last evaluated: 2025-12-07. Review status: criteria provided, single submitter. Criteria: Invitae Variant Classification Sherloc (09022015). Collection method: clinical testing. Allele origin: germline.

GeneDx
Classification: Uncertain significance. Last evaluated: 2025-10-21. Review status: criteria provided, single submitter. Criteria: GeneDx Variant Classification Process June 2021. Collection method: clinical testing. Allele origin: germline.
Comment: In silico analysis suggests that this missense variant does not alter protein structure/function; Identified in individual(s) with congenital anomalies of the kidney and urinary tract (CAKUT) (PMID: 31230195); Occurs in the triple helical domain at the Y position in the canonical Gly-X-Y repeat; although this variant may have an effect on normal protein folding and function, missense substitution at the Y position is not a common mechanism of disease; This variant is associated with the following publications: (PMID: 31230195)

Fulgent Genetics
Classification: Uncertain significance for Brain small vessel disease 1 with or without ocular anomalies; Retinal arterial tortuosity; Autosomal dominant familial hematuria-retinal arteriolar tortuosity-contractures syndrome; Hemorrhage, intracerebral, susceptibility to; Microangiopathy and leukoencephalopathy, pontine, autosomal dominant. Last evaluated: 2024-01-23. Review status: criteria provided, single submitter. Criteria: ACMG Guidelines, 2015. Collection method: clinical testing. Allele origin: germline.

Illumina Laboratory Services, Illumina
Classification: Benign for Autosomal dominant familial hematuria-retinal arteriolar tortuosity-contractures syndrome. Last evaluated: 2018-01-13. Review status: criteria provided, single submitter. Criteria: ICSL Variant Classification Criteria 13 December 2019. Collection method: clinical testing. Allele origin: germline.
Comment: This variant was observed in the ICSL laboratory as part of a predisposition screen in an ostensibly healthy population. It had not been previously curated by ICSL or reported in the Human Gene Mutation Database (HGMD: prior to June 1st, 2018), and was therefore a candidate for classification through an automated scoring system. Utilizing variant allele frequency, disease prevalence and penetrance estimates, and inheritance mode, an automated score was calculated to assess if this variant is too frequent to cause the disease. Based on the score and internal cut-off values, a variant classified as benign is not then subjected to further curation. The score for this variant resulted in a classification of benign for this disease.

Illumina Laboratory Services, Illumina
Classification: Benign for Brain small vessel disease 1 with or without ocular anomalies. Last evaluated: 2018-01-13. Review status: criteria provided, single submitter. Criteria: ICSL Variant Classification Criteria 13 December 2019. Collection method: clinical testing. Allele origin: germline.
Comment: the same text as in the submission from Illumina Laboratory Services, Illumina above.

Yale Center for Mendelian Genomics, Yale University
Classification: Likely pathogenic for Congenital anomaly of kidney and urinary tract. Last evaluated: 2019-06-22. Review status: no assertion criteria provided. Collection method: literature only. Allele origin: germline. Affected: yes. Observed: 1 heterozygote. Study: Yale Center for Mendelian Genomics. Not counted in ClinVar's aggregate classification.

Literature cited by the submitters: PubMed 31230195 (cited by Yale Center for Mendelian Genomics, Yale University).